The following is an entry in ClinVar:

ClinVar aggregate classification (germline): Uncertain significance. Review status: criteria provided, multiple submitters, no conflicts (2 of 4 stars). 2 submissions from 2 submitters: Uncertain significance (2). Last evaluated 2025-11-04.

Conditions:
Long QT syndrome (LQTS). Identifiers: MedGen C0023976, MeSH D008133, MONDO:0002442. Disease mechanism: loss of function. Inheritance: Various modes of inheritance.
Cardiovascular phenotype. Identifiers: MedGen CN230736.

Allele frequency attached by ClinVar (database versions not stated): gnomAD exomes below 0.00001 and 0.00001; TOPMed 0.00001.
gnomAD v4.1: 8 of 1,613,866 alleles (0.0005%); highest among the groups gnomAD compares: Admixed American, 0.0017%; no homozygotes.

Submissions (2):

Ambry Genetics
Classification: Uncertain significance for Cardiovascular phenotype. Last evaluated: 2025-11-04. Review status: criteria provided, single submitter. Criteria: Ambry Variant Classification Scheme 2023. Collection method: clinical testing. Allele origin: germline.
Comment: The p.A3807T variant (also known as c.11419G>A), located in coding exon 48 of the AKAP9 gene, results from a G to A substitution at nucleotide position 11419. The alanine at codon 3807 is replaced by threonine, an amino acid with similar properties. This amino acid position is conserved. In addition, this alteration is predicted to be tolerated by in silico analysis. Based on the available evidence, the clinical significance of this variant remains unclear.

Labcorp Genetics (formerly Invitae), Labcorp
Classification: Uncertain significance for Long QT syndrome. Last evaluated: 2021-02-18. Review status: criteria provided, single submitter. Criteria: Invitae Variant Classification Sherloc (09022015). Collection method: clinical testing. Allele origin: germline.
Comment: This sequence change replaces alanine with threonine at codon 3807 of the AKAP9 protein (p.Ala3807Thr). The alanine residue is weakly conserved and there is a small physicochemical difference between alanine and threonine. This variant is not present in population databases (ExAC no frequency). This variant has not been reported in the literature in individuals with AKAP9-related conditions. Algorithms developed to predict the effect of missense changes on protein structure and function output the following: SIFT: "Tolerated"; PolyPhen-2: "Benign"; Align-GVGD: "Class C0". The threonine amino acid residue is found in multiple mammalian species, suggesting that this missense change does not adversely affect protein function. These predictions have not been confirmed by published functional studies and their clinical significance is uncertain. In summary, the available evidence is currently insufficient to determine the role of this variant in disease. Therefore, it has been classified as a Variant of Uncertain Significance.

NM_005751.5(AKAP9):c.11419G>A (p.Ala3807Thr)

Gene: AKAP9 (A-kinase anchoring protein 9; plus strand). Cytogenetic location: 7q21.2.
Variant type: single nucleotide variant.
Coding change: c.11419G>A on transcript NM_005751.5 (MANE Select); coding-DNA position 11419, G replaced by A.
Protein change: p.Ala3807Thr; replaces alanine 3807 with threonine.
Molecular consequence: missense variant.
Genome position (GRCh38, 1-based): chr7:92,107,295, G>A. VCF-style: chr7-92107295-G-A. GRCh37 (hg19) VCF-style: chr7-91736609-G-A.
Other names: c.6064G>A, p.Ala2022Thr (NM_001379277.1); c.11395G>A, p.Ala3799Thr (NM_147185.3); c.11419G>A (NM_005751.4); short protein forms A2022T, A3799T, A3807T.
Identifiers: ClinVar variation 1390416 (VCV001390416.9), dbSNP rs1445749676, ClinGen allele CA368164027.